The following is an entry in ClinVar:

ClinVar aggregate classification (germline): Uncertain significance (1 of 4 stars; one submission).

Submission:

Ambry Genetics
Classification: Uncertain significance. Last evaluated: 2024-01-16. Review status: criteria provided, single submitter. Criteria: Ambry Variant Classification Scheme 2023. Collection method: clinical testing. Allele origin: germline.
Comment: The p.E575V variant (also known as c.1724A>T), located in coding exon 11 of the POLQ gene, results from an A to T substitution at nucleotide position 1724. The glutamic acid at codon 575 is replaced by valine, an amino acid with dissimilar properties. This amino acid position is conserved. In addition, this alteration is predicted to be tolerated by in silico analysis. Since supporting evidence is limited at this time, the clinical significance of this alteration remains unclear.

NM_199420.4(POLQ):c.1724A>T (p.Glu575Val)

Gene: POLQ (DNA polymerase theta; minus strand). Cytogenetic location: 3q13.33.
Variant type: single nucleotide variant.
Coding change: c.1724A>T on transcript NM_199420.4 (MANE Select); coding-DNA position 1724, A replaced by T.
Protein change: p.Glu575Val; replaces glutamic acid 575 with valine.
Molecular consequence: missense variant.
Genome position (GRCh38, 1-based): chr3:121,510,131, T>A on the plus strand (A>T on the coding strand, the complement: POLQ is on the minus strand). VCF-style: chr3-121510131-T-A. GRCh37 (hg19) VCF-style: chr3-121228978-T-A.
Other names: short protein forms E575V.
Identifiers: ClinVar variation 1778828 (VCV001778828.2), dbSNP rs749875646, ClinGen allele CA354114805.
Genomic context (GRCh38, chr3:121,510,131, plus strand): 5'-ATGAATTCATTTTCTAGTAGCCACATCACACAGGCCTCAATCGCTCCAAGCTGAACAGAC[T>A]CTTGATTTCTCTGAATTCCTTGCTTCCCTTCTTTCATACTTGCAGCCAAAAATGTGCAGG-3'
Protein context (NP_955452.3, residues 565-585): EGKQGIQRNQ[Glu575Val]SVQLGAIEAC